The following is an entry in ClinVar:

NM_001401501.2(MUC16):c.36925A>G (p.Met12309Val)

Gene: MUC16 (mucin 16, cell surface associated; minus strand). Cytogenetic location: 19p13.2.
Variant type: single nucleotide variant.
Coding change: c.36925A>G on transcript NM_001401501.2 (MANE Select); coding-DNA position 36925, A replaced by G.
Protein change: p.Met12309Val; replaces methionine 12309 with valine.
Molecular consequence: missense variant.
Genome position (GRCh38, 1-based): chr19:8,915,571, T>C on the plus strand (A>G on the coding strand, the complement: MUC16 is on the minus strand). VCF-style: chr19-8915571-T-C. GRCh37 (hg19) VCF-style: chr19-9026247-T-C.
Other names: c.37351A>G, p.Met12451Val (NM_001414686.1); c.36805A>G, p.Met12269Val (NM_001414687.1); c.36739A>G, p.Met12247Val (NM_024690.2); short protein forms M12247V, M12269V, M12309V, M12451V.
Identifiers: ClinVar variation 3042016 (VCV003042016.2), dbSNP rs78941910, ClinGen allele CA9165607.

ClinVar aggregate classification (germline): Benign (0 of 4 stars; one submission).

Conditions:
MUC16-related disorder. Also called: MUC16-related condition.

Allele frequency attached by ClinVar (database versions not stated): 1000 Genomes Project 0.00599; 1000 Genomes Project 30x 0.00687; TOPMed 0.01241; gnomAD 0.01271; ExAC 0.01326; ESP Exome Variant Server 0.01400; gnomAD exomes 0.01713.

Submission:

PreventionGenetics, part of Exact Sciences
Classification: Benign for MUC16-related condition. Last evaluated: 2019-03-08. Review status: no assertion criteria provided. Collection method: clinical testing. Allele origin: germline.
Comment: This variant is classified as benign based on ACMG/AMP sequence variant interpretation guidelines (Richards et al. 2015 PMID: 25741868, with internal and published modifications).